The following is an entry in ClinVar:

ClinVar aggregate classification (germline): Uncertain significance (1 of 4 stars; one submission).

Submission:

Labcorp Genetics (formerly Invitae), Labcorp
Classification: Uncertain significance. Last evaluated: 2022-04-20. Review status: criteria provided, single submitter. Criteria: Invitae Variant Classification Sherloc (09022015). Collection method: clinical testing. Allele origin: germline.
Comment: This sequence change creates a premature translational stop signal (p.Gln1039Thrfs*18) in the AMER1 gene. While this is not anticipated to result in nonsense mediated decay, it is expected to disrupt the last 97 amino acid(s) of the AMER1 protein. This variant is not present in population databases (gnomAD no frequency). This variant has not been reported in the literature in individuals affected with AMER1-related conditions. Experimental studies and prediction algorithms are not available or were not evaluated, and the functional significance of this variant is currently unknown. In summary, the available evidence is currently insufficient to determine the role of this variant in disease. Therefore, it has been classified as a Variant of Uncertain Significance.

NM_152424.4(AMER1):c.3113dup (p.Gln1039fs)

Gene: AMER1 (APC membrane recruitment protein 1; minus strand). Cytogenetic location: Xq11.2.
Variant type: Duplication.
Coding change: c.3113dup on transcript NM_152424.4 (MANE Select); coding-DNA position 3113, one base duplicated (C; older notation c.3113dupC).
Protein change: p.Gln1039fs; shifts the reading frame from glutamine 1039.
Molecular consequence: frameshift variant.
Genome position (GRCh38, 1-based): chrX:64,190,174, G duplicated on the plus strand (C on the coding strand, the reverse complement: AMER1 is on the minus strand); the first of 2 consecutive G bases (chrX:64,190,174-64,190,175); duplicating either gives the same sequence. VCF-style (leftmost placement, unchanged base first): chrX-64190173-T-TG. GRCh37 (hg19) VCF-style: chrX-63410053-T-TG.
Other names: short protein forms Q1039fs.
Identifiers: ClinVar variation 2128579 (VCV002128579.4), dbSNP rs2521200162, ClinGen allele CA2580101262.